The following is an entry in ClinVar:

ClinVar aggregate classification (germline): Benign/Likely benign. Review status: criteria provided, multiple submitters, no conflicts (2 of 4 stars). 2 submissions from 2 submitters: Benign (1); Likely benign (1). Last evaluated 2026-06-10.

Conditions:
LSR-related condition.

Submissions (2):

PreventionGenetics, part of Exact Sciences
Classification: Likely benign for LSR-related condition. Last evaluated: 2026-06-10. Review status: criteria provided, single submitter. Criteria: ACMG Guidelines, 2015. Collection method: clinical testing. Allele origin: germline.
Comment: This variant is classified as likely benign based on ACMG/AMP sequence variant interpretation guidelines (Richards et al. 2015 PMID: 25741868, with internal and published modifications).

Labcorp Genetics (formerly Invitae), Labcorp
Classification: Benign. Last evaluated: 2025-08-03. Review status: criteria provided, single submitter. Criteria: Invitae Variant Classification Sherloc (09022015). Collection method: clinical testing. Allele origin: germline.

NM_205834.4(LSR):c.1013-10del

Gene: LSR (lipolysis stimulated lipoprotein receptor; plus strand). Cytogenetic location: 19q13.12.
Variant type: Deletion.
Coding change: c.1013-10del on transcript NM_205834.4 (MANE Select); 10 bases into the intron before coding-DNA position 1013, one base deleted (C; older notation c.1013-10delC).
Molecular consequence: intron variant.
Genome position (GRCh38, 1-based): chr19:35,266,826, C deleted; the last of 6 consecutive C bases (chr19:35,266,821-35,266,826); deleting any one gives the same sequence. VCF-style (leftmost placement, unchanged base first): chr19-35266820-AC-A. GRCh37 (hg19) VCF-style: chr19-35757723-AC-A.
Other names: c.1157-10delC (NM_205834.3); c.956-10del (NM_015925.7); c.956-13del (NM_001260489.2); c.809-10del (NM_205835.4); c.809-13del (NM_001385215.1); c.689-10del (NM_001260490.2).
Identifiers: ClinVar variation 1898518 (VCV001898518.6), dbSNP rs745694180, ClinGen allele CA9374945.